The following is an entry in ClinVar:

NM_138694.4(PKHD1):c.3834C>T (p.Phe1278=)

Gene: PKHD1 (PKHD1 ciliary IPT domain containing fibrocystin/polyductin; minus strand). Cytogenetic location: 6p12.2.
Variant type: single nucleotide variant.
Coding change: c.3834C>T on transcript NM_138694.4 (MANE Select); coding-DNA position 3834, C replaced by T.
Protein change: p.Phe1278=; no amino-acid change (phenylalanine 1278 retained).
Molecular consequence: synonymous variant.
Genome position (GRCh38, 1-based): chr6:52,025,976, G>A on the plus strand (C>T on the coding strand, the complement: PKHD1 is on the minus strand). VCF-style: chr6-52025976-G-A. GRCh37 (hg19) VCF-style: chr6-51890774-G-A.
Other names: p.Phe1278=; c.3834C>T, p.Phe1278= (NM_170724.3).
Identifiers: ClinVar variation 502595 (VCV000502595.23), dbSNP rs145960781, ClinGen allele CA3852828.
Genomic context (GRCh38, chr6:52,025,976, plus strand): 5'-TGCCGCTTCATACATGAAGGTGAAGCCTTTCCCCACCAAGCTTGGTGAAGGACCACGGGC[G>A]AAGAACCTGTTGCCAGCCCAGACCTCCACGGCAGCTGGAACAGTGGGAGCGCCCGCATCG-3'
Protein context (NP_619639.3, residues 1268-1288): AVEVWAGNRF[Phe1278=]ARGPSPSLVG

ClinVar aggregate classification (germline): Conflicting classifications of pathogenicity. Review status: criteria provided, conflicting classifications (1 of 4 stars). 5 submissions from 5 submitters: Uncertain significance (1); Likely benign (2). 2 of the submissions do not count toward it. Last evaluated 2026-01-27.

Conditions:
PKHD1-related disorder. Also called: PKHD1-related condition.
Autosomal recessive polycystic kidney disease (ARPKD). Also called: AR polycystic kidney disease. Identifiers: Orphanet 731, Orphanet 8378, MedGen C0085548, MeSH D017044, MONDO:0009889.

Allele frequency attached by ClinVar (database versions not stated): gnomAD exomes 0.00009 and 0.00019; 1000 Genomes Project 30x 0.00016; 1000 Genomes Project 0.00020; ExAC 0.00022; gnomAD 0.00086 and 0.00088; TOPMed 0.00090; ESP Exome Variant Server 0.00123.
gnomAD v4.1: 264 of 1,614,122 alleles (0.016%); highest among the groups gnomAD compares: African/African-American, 0.29%; 1 homozygote.

Submissions (5):

Labcorp Genetics (formerly Invitae), Labcorp
Classification: Likely benign for Autosomal recessive polycystic kidney disease. Last evaluated: 2026-01-27. Review status: criteria provided, single submitter. Criteria: Invitae Variant Classification Sherloc (09022015). Collection method: clinical testing. Allele origin: germline.

Mayo Clinic Laboratories, Mayo Clinic
Classification: Likely benign. Last evaluated: 2022-02-23. Review status: criteria provided, single submitter. Criteria: ACMG Guidelines, 2015. Collection method: clinical testing. Allele origin: germline. Observed: 2 variant alleles.
Comment: BP4, BP7

Eurofins Ntd Llc (ga)
Classification: Uncertain significance. Last evaluated: 2018-07-12. Review status: criteria provided, single submitter. Criteria: EGL ClinVar v180209 classification definitions. Collection method: clinical testing. Allele origin: germline. Observed: 2 variant alleles, 2 heterozygotes.

PreventionGenetics, part of Exact Sciences
Classification: Likely benign for PKHD1-related condition. Last evaluated: 2019-05-28. Review status: no assertion criteria provided. Collection method: clinical testing. Allele origin: germline. Not counted in ClinVar's aggregate classification.
Comment: This variant is classified as likely benign based on ACMG/AMP sequence variant interpretation guidelines (Richards et al. 2015 PMID: 25741868, with internal and published modifications).

Natera, Inc.
Classification: Likely benign for Autosomal recessive polycystic kidney disease. Last evaluated: 2018-05-01. Review status: no assertion criteria provided. Collection method: clinical testing. Allele origin: germline. Not counted in ClinVar's aggregate classification.